The following is an entry in ClinVar:

NM_001042492.3(NF1):c.6836dup (p.Leu2279fs)

Gene: NF1 (neurofibromin 1; plus strand). Cytogenetic location: 17q11.2.
Variant type: Duplication.
Coding change: c.6836dup on transcript NM_001042492.3 (MANE Select); coding-DNA position 6836, one base duplicated (T; older notation c.6836dupT).
Protein change: p.Leu2279fs; shifts the reading frame from leucine 2279.
Molecular consequence: frameshift variant.
Genome position (GRCh38, 1-based): chr17:31,338,720, T duplicated; the last of 2 consecutive T bases (chr17:31,338,719-31,338,720); duplicating either gives the same sequence. VCF-style (leftmost placement, unchanged base first): chr17-31338718-C-CT. GRCh37 (hg19) VCF-style: chr17-29665736-C-CT.
Other names: c.6773dup, p.Leu2258Phefs (NM_000267.4); short protein forms L2258fs, L2279fs.
Identifiers: ClinVar variation 1453836 (VCV001453836.6), dbSNP rs1597845926, ClinGen allele CA2573153876.

ClinVar aggregate classification (germline): Pathogenic (1 of 4 stars; one submission).

Conditions:
Neurofibromatosis, type 1 (NF1). Also called: Neurofibromatosis, type I; VON RECKLINGHAUSEN DISEASE; NEUROFIBROMATOSIS, TYPE I, SOMATIC; Peripheral type neurofibromatosis. Identifiers: Orphanet 636, MedGen C0027831, MONDO:0018975, OMIM 162200. Disease mechanism: loss of function.

Submission:

Labcorp Genetics (formerly Invitae), Labcorp
Classification: Pathogenic for Neurofibromatosis, type 1. Last evaluated: 2021-05-27. Review status: criteria provided, single submitter. Criteria: Invitae Variant Classification Sherloc (09022015). Collection method: clinical testing. Allele origin: germline.
Comment: This variant has not been reported in the literature in individuals with NF1-related conditions. This variant is not present in population databases (ExAC no frequency). This sequence change creates a premature translational stop signal (p.Leu2258Phefs*5) in the NF1 gene. It is expected to result in an absent or disrupted protein product. Loss-of-function variants in NF1 are known to be pathogenic (PMID: 10712197, 23913538). For these reasons, this variant has been classified as Pathogenic.

Literature cited by the submitters: PubMed 10712197; PubMed 23913538.